The following is an entry in ClinVar:

ClinVar aggregate classification (germline): Conflicting classifications of pathogenicity. Review status: criteria provided, conflicting classifications (1 of 4 stars). 5 submissions from 5 submitters: Uncertain significance (4); Likely benign (1). Last evaluated 2025-04-08.

Conditions:
Malignant hyperthermia, susceptibility to, 1 (MHS1). Also called: Anesthesia related hyperthermia; Malignant hyperpyrexia; Fulminating hyperpyrexia; Pharmacogenic myopathy; RYR1-Related Malignant Hyperthermia Susceptibility; Malignant hyperthermia suceptibility 1. Identifiers: Orphanet 423, MedGen C2930980, MONDO:0007783, OMIM 145600.
RYR1-related disorder. Also called: RYR1-related disorders; RYR1-related condition. Identifiers: MedGen CN239331.
Inborn genetic diseases. Identifiers: MedGen C0950123, MeSH D030342.

Allele frequency attached by ClinVar (database versions not stated): ESP Exome Variant Server 0.00008; gnomAD 0.00013; 1000 Genomes Project 30x 0.00016; 1000 Genomes Project 0.00020; TOPMed 0.00029.
gnomAD v4.1: 56 of 1,614,134 alleles (0.0035%); highest among the groups gnomAD compares: African/African-American, 0.072%; no homozygotes.

Submissions (5):

Ambry Genetics
Classification: Uncertain significance for Inborn genetic diseases. Last evaluated: 2025-04-08. Review status: criteria provided, single submitter. Criteria: Ambry Variant Classification Scheme 2023. Collection method: clinical testing. Allele origin: germline.

Labcorp Genetics (formerly Invitae), Labcorp
Classification: Likely benign for RYR1-related disorder. Last evaluated: 2025-02-05. Review status: criteria provided, single submitter. Criteria: Invitae Variant Classification Sherloc (09022015). Collection method: clinical testing. Allele origin: germline.

All of Us Research Program, National Institutes of Health
Classification: Uncertain significance for Malignant hyperthermia, susceptibility to, 1. Last evaluated: 2024-09-23. Review status: criteria provided, single submitter. Criteria: ACMG Guidelines, 2015. Collection method: clinical testing. Allele origin: germline. Inheritance: Autosomal dominant inheritance. Observed: 11 variant alleles, 11 heterozygotes.
Comment: This missense variant replaces aspartic acid with valine at codon 3817 of the RYR1 protein. Computational prediction suggests that this variant may have deleterious impact on protein structure and function (internally defined REVEL score threshold >= 0.7, PMID: 27666373). To our knowledge, functional studies have not been reported for this variant. This variant has not been reported in individuals affected with RYR1-related disorders in the literature. This variant has been identified in 19/282892 chromosomes in the general population by the Genome Aggregation Database (gnomAD). The available evidence is insufficient to determine the role of this variant in disease conclusively. Therefore, this variant is classified as a Variant of Uncertain Significance.

This study involves interpretation of variants in research participants for the purpose of population health screening. Participant phenotype was not available at the time of variant classification. Additional details can be found in publication PMID: 35346344, PMCID: PMC8962531

Color Diagnostics, LLC DBA Color Health
Classification: Uncertain significance for Malignant hyperthermia, susceptibility to, 1. Last evaluated: 2024-05-16. Review status: criteria provided, single submitter. Criteria: ACMG Guidelines, 2015. Collection method: clinical testing. Allele origin: germline.
Comment: This missense variant replaces aspartic acid with valine at codon 3817 of the RYR1 protein. Computational prediction is inconclusive regarding the impact of this variant on protein structure and function. To our knowledge, functional studies have not been reported for this variant. This variant has not been reported in individuals affected with RYR1-related disorders in the literature. This variant has been identified in 19/282892 chromosomes in the general population by the Genome Aggregation Database (gnomAD). The available evidence is insufficient to determine the role of this variant in disease conclusively. Therefore, this variant is classified as a Variant of Uncertain Significance.

GeneDx
Classification: Uncertain significance. Last evaluated: 2019-05-24. Review status: criteria provided, single submitter. Criteria: GeneDx Variant Classification Process June 2021. Collection method: clinical testing. Allele origin: germline. Affected: yes.
Comment: In silico analysis, which includes protein predictors and evolutionary conservation, supports a deleterious effect; Has not been previously published as pathogenic or benign to our knowledge

NM_000540.3(RYR1):c.11450A>T (p.Asp3817Val)

Gene: RYR1 (ryanodine receptor 1; plus strand). Cytogenetic location: 19q13.2.
Variant type: single nucleotide variant.
Coding change: c.11450A>T on transcript NM_000540.3 (MANE Select); coding-DNA position 11450, A replaced by T.
Protein change: p.Asp3817Val; replaces aspartic acid 3817 with valine.
Molecular consequence: missense variant.
Genome position (GRCh38, 1-based): chr19:38,535,326, A>T. VCF-style: chr19-38535326-A-T. GRCh37 (hg19) VCF-style: chr19-39025966-A-T.
Other names: c.11435A>T, p.Asp3812Val (NM_001042723.2); short protein forms D3817V, D3812V.
Identifiers: ClinVar variation 544380 (VCV000544380.17), dbSNP rs372491219, ClinGen allele CA056974.